The following is an entry in ClinVar:

ClinVar aggregate classification (germline): Uncertain significance (1 of 4 stars; one submission).

Conditions:
Epidermolysis bullosa simplex 5B, with muscular dystrophy (EBS5B). Also called: Epidermolysis bullosa simplex with muscular dystrophy; EPIDERMOLYSIS BULLOSA SIMPLEX AND LIMB-GIRDLE MUSCULAR DYSTROPHY. Identifiers: Orphanet 257, MedGen C2931072, MONDO:0009181, OMIM 226670.
Autosomal recessive limb-girdle muscular dystrophy type 2Q (LGMDR17). Also called: MUSCULAR DYSTROPHY, LIMB-GIRDLE, AUTOSOMAL RECESSIVE 17. Identifiers: Orphanet 254361, MedGen C3150989, MONDO:0013390, OMIM 613723.
Epidermolysis bullosa simplex with nail dystrophy (EBS5D). Identifiers: MedGen C4225309, MONDO:0014661, OMIM 616487.
Epidermolysis bullosa simplex 5C, with pyloric atresia (EBS5C). Also called: PLEC-Related Epidermolysis Bullosa with Pyloric Atresia; Epidermolysis bullosa simplex with pyloric atresia; PLEC1-Related Epidermolysis Bullosa with Pyloric Atresia. Identifiers: Orphanet 158684, MedGen C2677349, MONDO:0012807, OMIM 612138.
Epidermolysis bullosa simplex, Ogna type (EBS5A). Also called: Pidermolysis bullosa simplex 5A, Ogna type; EPIDERMOLYSIS BULLOSA SIMPLEX 5A, OGNA TYPE. Identifiers: Orphanet 79401, MedGen C0432317, MONDO:0007555, OMIM 131950.

Submission:

Labcorp Genetics (formerly Invitae), Labcorp
Classification: Uncertain significance for Autosomal recessive limb-girdle muscular dystrophy type 2Q; Epidermolysis bullosa simplex, Ogna type; Epidermolysis bullosa simplex with nail dystrophy; Epidermolysis bullosa simplex 5C, with pyloric atresia; Epidermolysis bullosa simplex 5B, with muscular dystrophy. Last evaluated: 2019-10-15. Review status: criteria provided, single submitter. Criteria: Invitae Variant Classification Sherloc (09022015). Collection method: clinical testing. Allele origin: germline.
Comment: In summary, the available evidence is currently insufficient to determine the role of this variant in disease. Therefore, it has been classified as a Variant of Uncertain Significance. Algorithms developed to predict the effect of missense changes on protein structure and function (SIFT, PolyPhen-2, Align-GVGD) all suggest that this variant is likely to be tolerated, but these predictions have not been confirmed by published functional studies and their clinical significance is uncertain. This variant has not been reported in the literature in individuals with PLEC-related conditions. This variant is not present in population databases (ExAC no frequency). This sequence change replaces proline with leucine at codon 2654 of the PLEC protein (p.Pro2654Leu). The proline residue is moderately conserved and there is a moderate physicochemical difference between proline and leucine.

NM_201384.3(PLEC):c.7880C>T (p.Pro2627Leu)

Gene: PLEC (plectin; minus strand). Cytogenetic location: 8q24.3.
Variant type: single nucleotide variant.
Coding change: c.7880C>T on transcript NM_201384.3 (MANE Select); coding-DNA position 7880, C replaced by T.
Protein change: p.Pro2627Leu; replaces proline 2627 with leucine.
Molecular consequence: missense variant.
Genome position (GRCh38, 1-based): chr8:143,921,941, G>A on the plus strand (C>T on the coding strand, the complement: PLEC is on the minus strand). VCF-style: chr8-143921941-G-A. GRCh37 (hg19) VCF-style: chr8-144996109-G-A.
Other names: c.7961C>T, p.Pro2654Leu (NM_000445.5); c.7838C>T, p.Pro2613Leu (NM_201378.4); c.7814C>T, p.Pro2605Leu (NM_201379.3); c.8291C>T, p.Pro2764Leu (NM_201380.4); c.7784C>T, p.Pro2595Leu (NM_201381.3); c.7880C>T, p.Pro2627Leu (NM_201382.4); c.7892C>T, p.Pro2631Leu (NM_201383.3); short protein forms P2595L, P2605L, P2654L, P2764L, P2613L, P2631L, P2627L.
Identifiers: ClinVar variation 967679 (VCV000967679.7), dbSNP rs184879368, ClinGen allele CA372521410.